The following is an entry in ClinVar:

ClinVar aggregate classification (germline): Uncertain significance (1 of 4 stars; one submission).

Allele frequency attached by ClinVar (database versions not stated): gnomAD exomes below 0.00001; ExAC 0.00001; gnomAD 0.00001.
gnomAD v4.1: 2 of 1,612,872 alleles (0.00012%); highest among the groups gnomAD compares: African/African-American, 0.0013%; no homozygotes.

Submission:

Labcorp Genetics (formerly Invitae), Labcorp
Classification: Uncertain significance. Last evaluated: 2022-08-09. Review status: criteria provided, single submitter. Criteria: Invitae Variant Classification Sherloc (09022015). Collection method: clinical testing. Allele origin: germline.
Comment: This sequence change replaces lysine, which is basic and polar, with arginine, which is basic and polar, at codon 123 of the PCDH15 protein (p.Lys123Arg). This variant is present in population databases (rs757563938, gnomAD 0.0009%). This variant has not been reported in the literature in individuals affected with PCDH15-related conditions. ClinVar contains an entry for this variant (Variation ID: 1425464). Algorithms developed to predict the effect of missense changes on protein structure and function (SIFT, PolyPhen-2, Align-GVGD) all suggest that this variant is likely to be tolerated. In summary, the available evidence is currently insufficient to determine the role of this variant in disease. Therefore, it has been classified as a Variant of Uncertain Significance.

NM_001384140.1(PCDH15):c.368A>G (p.Lys123Arg)

Gene: PCDH15 (protocadherin related 15; minus strand). Cytogenetic location: 10q21.1.
Variant type: single nucleotide variant.
Coding change: c.368A>G on transcript NM_001384140.1 (MANE Select); coding-DNA position 368, A replaced by G.
Protein change: p.Lys123Arg; replaces lysine 123 with arginine.
Molecular consequence: missense variant.
Genome position (GRCh38, 1-based): chr10:54,369,226, T>C on the plus strand (A>G on the coding strand, the complement: PCDH15 is on the minus strand). VCF-style: chr10-54369226-T-C. GRCh37 (hg19) VCF-style: chr10-56128986-T-C.
Other names: c.383A>G, p.Lys128Arg (NM_001142763.2, NM_001142769.4, NM_001142771.2); c.368A>G, p.Lys123Arg (NM_001142764.2, NM_001142765.2, NM_001142766.2 and 8 more transcripts); c.302A>G, p.Lys101Arg (NM_001142768.2, NM_001142773.2, NM_001354404.2); short protein forms K128R, K101R, K123R.
Identifiers: ClinVar variation 1425464 (VCV001425464.5), dbSNP rs757563938, ClinGen allele CA5506709.
Genomic context (GRCh38, chr10:54,369,226, plus strand): 5'-TTGTCATTCCTGTCTCTCACCACTATTCGCACTTCATGGTAGATAATAGTGCCCACTTTT[T>C]TGTTGATGCACTGGACCTGCACCACAATGGAGTGTATGTTCATCGGTGGCTGCAATGTAG-3'
Protein context (NP_001371069.1, residues 113-133): SIVVQVQCIN[Lys123Arg]KVGTIIYHEV